The following is an entry in ClinVar:

NM_001358921.2(COQ2):c.740A>G (p.Tyr247Cys)

Gene: COQ2 (coenzyme Q2, polyprenyltransferase; minus strand). Cytogenetic location: 4q21.23.
Variant type: single nucleotide variant.
Coding change: c.740A>G on transcript NM_001358921.2 (MANE Select); coding-DNA position 740, A replaced by G.
Protein change: p.Tyr247Cys; replaces tyrosine 247 with cysteine.
Molecular consequence: missense variant.
Genome position (GRCh38, 1-based): chr4:83,269,882, T>C on the plus strand (A>G on the coding strand, the complement: COQ2 is on the minus strand). VCF-style: chr4-83269882-T-C. GRCh37 (hg19) VCF-style: chr4-84191035-T-C.
Other names: c.890A>G, p.Tyr297Cys (NM_015697.9); short protein forms Y297C, Y247C.
Identifiers: ClinVar variation 1436 (VCV000001436.4), dbSNP rs121918230, ClinGen allele CA250019.

ClinVar aggregate classification (germline): Likely pathogenic. Review status: criteria provided, single submitter (1 of 4 stars). 3 submissions from 3 submitters: Likely pathogenic (1). 2 of the submissions do not count toward it. Last evaluated 2022-11-14.

Conditions:
Coenzyme Q10 deficiency. Also called: Coenzyme Q10 deficiency, primary. Identifiers: Orphanet 35656, MedGen C1843920, MONDO:0018151.
Coenzyme Q10 deficiency, primary, 1. Also called: UBIQUINONE DEFICIENCY 1; COENZYME Q DEFICIENCY 1; CoQ DEFICIENCY 1. Identifiers: Orphanet 255249, MedGen C3551954, MONDO:0011829, OMIM 607426.

Allele frequency attached by ClinVar (database versions not stated): ExAC 0.00001; gnomAD exomes below 0.00001.
gnomAD v4.1: 2 of 1,606,820 alleles (0.00012%); highest among the groups gnomAD compares: South Asian, 0.0011%; no homozygotes.

Submissions (3):

GeneDx
Classification: Likely pathogenic. Last evaluated: 2022-11-14. Review status: criteria provided, single submitter. Criteria: GeneDx Variant Classification Process June 2021. Collection method: clinical testing. Allele origin: germline. Affected: yes.
Comment: Published functional studies suggest the Y297C variant reduces CoQ production to a moderate level (Lpez-Martn; Desbats et al., 2016); Not observed at significant frequency in large population cohorts (gnomAD); In silico analysis supports that this missense variant has a deleterious effect on protein structure/function; This variant is associated with the following publications: (PMID: 17855635, 33426503, 16116126, 17374725, 20495179, 17332886, 27493029, 31660881, 23816342, 29296619, 35483523, 16400613)

OMIM
Classification: Pathogenic for COENZYME Q10 DEFICIENCY, PRIMARY, 1. Last evaluated: 2010-10-01. Review status: no assertion criteria provided. Collection method: literature only. Allele origin: germline. Not counted in ClinVar's aggregate classification.

GeneReviews
No classification provided. Condition: Coenzyme Q10 deficiency. Review status: no classification provided. Collection method: literature only. Allele origin: germline. Not counted in ClinVar's aggregate classification.

Literature cited by the submitters: PubMed 16116126 (cited by OMIM); PubMed 20495179 (cited by OMIM); PubMed 17374725 (cited by OMIM); PubMed 16400613 (cited by OMIM and GeneReviews); NCBI Bookshelf NBK410087 (cited by GeneReviews).